The following is an entry in ClinVar:

NM_002334.4(LRP4):c.3731A>G (p.Asn1244Ser)

Gene: LRP4 (LDL receptor related protein 4; minus strand). Cytogenetic location: 11p11.2.
Variant type: single nucleotide variant.
Coding change: c.3731A>G on transcript NM_002334.4 (MANE Select); coding-DNA position 3731, A replaced by G.
Protein change: p.Asn1244Ser; replaces asparagine 1244 with serine.
Molecular consequence: missense variant.
Genome position (GRCh38, 1-based): chr11:46,875,650, T>C on the plus strand (A>G on the coding strand, the complement: LRP4 is on the minus strand). VCF-style: chr11-46875650-T-C. GRCh37 (hg19) VCF-style: chr11-46897201-T-C.
Other names: short protein forms N1244S.
Identifiers: ClinVar variation 1431060 (VCV001431060.9), dbSNP rs376299085, ClinGen allele CA5969495.

ClinVar aggregate classification (germline): Uncertain significance. Review status: criteria provided, multiple submitters, no conflicts (2 of 4 stars). 2 submissions from 2 submitters: Uncertain significance (2). Last evaluated 2024-12-23.

Conditions:
Cenani-Lenz syndactyly syndrome. Also called: CENANI SYNDACTYLISM; SYNDACTYLY, TYPE VII. Identifiers: Orphanet 3258, MedGen C1859309, MONDO:0008931, OMIM 212780.
Congenital myasthenic syndrome 17. Identifiers: Orphanet 590, MedGen C4225377, MONDO:0014578, OMIM 616304.
Sclerosteosis 2 (SOST2). Identifiers: Orphanet 3152, MedGen C3280402, MONDO:0013679, OMIM 614305.

Allele frequency attached by ClinVar (database versions not stated): gnomAD 0.00001; ExAC 0.00002; gnomAD exomes 0.00002 and 0.00003; TOPMed 0.00002; ESP Exome Variant Server 0.00008.
gnomAD v4.1: 41 of 1,613,952 alleles (0.0025%); highest among the groups gnomAD compares: Non-Finnish European, 0.0032%; no homozygotes.

Submissions (2):

Revvity Omics, Revvity
Classification: Uncertain significance. Last evaluated: 2024-12-23. Review status: criteria provided, single submitter. Criteria: ACMG Guidelines, 2015. Collection method: clinical testing. Allele origin: germline.

Labcorp Genetics (formerly Invitae), Labcorp
Classification: Uncertain significance for Cenani-Lenz syndactyly syndrome; Sclerosteosis 2; Congenital myasthenic syndrome 17. Last evaluated: 2024-08-13. Review status: criteria provided, single submitter. Criteria: Invitae Variant Classification Sherloc (09022015). Collection method: clinical testing. Allele origin: germline.
Comment: This sequence change replaces asparagine, which is neutral and polar, with serine, which is neutral and polar, at codon 1244 of the LRP4 protein (p.Asn1244Ser). This variant is present in population databases (rs376299085, gnomAD 0.006%). This variant has not been reported in the literature in individuals affected with LRP4-related conditions. ClinVar contains an entry for this variant (Variation ID: 1431060). Advanced modeling of protein sequence and biophysical properties (such as structural, functional, and spatial information, amino acid conservation, physicochemical variation, residue mobility, and thermodynamic stability) performed at Invitae indicates that this missense variant is not expected to disrupt LRP4 protein function with a negative predictive value of 80%. In summary, the available evidence is currently insufficient to determine the role of this variant in disease. Therefore, it has been classified as a Variant of Uncertain Significance.